The following is an entry in ClinVar:

NM_144687.4(NLRP12):c.3024C>T (p.Asn1008=)

Gene: NLRP12 (NLR family pyrin domain containing 12; minus strand). Cytogenetic location: 19q13.42.
Variant type: single nucleotide variant.
Coding change: c.3024C>T on transcript NM_144687.4 (MANE Select); coding-DNA position 3024, C replaced by T.
Protein change: p.Asn1008=; no amino-acid change (asparagine 1008 retained).
Molecular consequence: synonymous variant.
Genome position (GRCh38, 1-based): chr19:53,795,933, G>A on the plus strand (C>T on the coding strand, the complement: NLRP12 is on the minus strand). VCF-style: chr19-53795933-G-A. GRCh37 (hg19) VCF-style: chr19-54299187-G-A.
Other names: c.3027C>T, p.Asn1009= (NM_001277126.2); c.2853C>T, p.Asn951= (NM_001277129.1).
Identifiers: ClinVar variation 330002 (VCV000330002.49), dbSNP rs140769141, ClinGen allele CA9638799.

ClinVar aggregate classification (germline): Benign/Likely benign. Review status: criteria provided, multiple submitters, no conflicts (2 of 4 stars). 7 submissions from 7 submitters: Benign (3); Likely benign (4). Last evaluated 2026-05-10.

Conditions:
NLRP12-related disorder. Also called: NLRP12-related condition; NLRP12-related conditions.
Familial cold autoinflammatory syndrome 2 (FCAS2). Identifiers: Orphanet 247868, MedGen C2673198, MONDO:0012724, OMIM 611762.
Autoinflammatory syndrome. Identifiers: Orphanet 93665, MedGen C3890737, MONDO:0019751.

Allele frequency attached by ClinVar (database versions not stated): 1000 Genomes Project 30x 0.00047; ExAC 0.00049; gnomAD exomes 0.00051 and 0.00067; 1000 Genomes Project 0.00060; gnomAD 0.00128 and 0.00142; ESP Exome Variant Server 0.00131; TOPMed 0.00134.
gnomAD v4.1: 1,165 of 1,614,136 alleles (0.072%); highest among the groups gnomAD compares: African/African-American, 0.31%; no homozygotes.

Submissions (7):

PreventionGenetics, part of Exact Sciences
Classification: Likely benign for NLRP12-related condition. Last evaluated: 2026-05-10. Review status: criteria provided, single submitter. Criteria: ACMG Guidelines, 2015. Collection method: clinical testing. Allele origin: germline.
Comment: This variant is classified as likely benign based on ACMG/AMP sequence variant interpretation guidelines (Richards et al. 2015 PMID: 25741868, with internal and published modifications).

Labcorp Genetics (formerly Invitae), Labcorp
Classification: Benign for Familial cold autoinflammatory syndrome 2. Last evaluated: 2026-01-24. Review status: criteria provided, single submitter. Criteria: Invitae Variant Classification Sherloc (09022015). Collection method: clinical testing. Allele origin: germline.

Blueprint Genetics
Classification: Likely benign. Last evaluated: 2024-10-21. Review status: criteria provided, single submitter. Criteria: ACMG Guidelines, 2015. Collection method: clinical testing. Allele origin: germline.

CeGaT Center for Human Genetics Tuebingen
Classification: Likely benign. Last evaluated: 2023-12-01. Review status: criteria provided, single submitter. Criteria: CeGaT Center For Human Genetics Tuebingen Variant Classification Criteria Version 2. Collection method: clinical testing. Allele origin: germline. Affected: yes. Observed: 1 variant allele.
Comment: NLRP12: BP4, BP7

Genome Diagnostics Laboratory, The Hospital for Sick Children
Classification: Likely benign for Autoinflammatory syndrome. Last evaluated: 2020-11-02. Review status: criteria provided, single submitter. Criteria: ACMG Guidelines, 2015. Collection method: clinical testing. Allele origin: germline. Affected: yes.

ARUP Laboratories, Molecular Genetics and Genomics, ARUP Laboratories
Classification: Benign for Familial cold autoinflammatory syndrome 2. Last evaluated: 2020-02-02. Review status: criteria provided, single submitter. Criteria: ARUP Molecular Germline Variant Investigation Process. Collection method: clinical testing. Allele origin: germline.

Illumina Laboratory Services, Illumina
Classification: Benign for Familial cold autoinflammatory syndrome 2. Last evaluated: 2018-01-13. Review status: criteria provided, single submitter. Criteria: ICSL Variant Classification Criteria 13 December 2019. Collection method: clinical testing. Allele origin: germline.
Comment: This variant was observed in the ICSL laboratory as part of a predisposition screen in an ostensibly healthy population. It had not been previously curated by ICSL or reported in the Human Gene Mutation Database (HGMD: prior to June 1st, 2018), and was therefore a candidate for classification through an automated scoring system. Utilizing variant allele frequency, disease prevalence and penetrance estimates, and inheritance mode, an automated score was calculated to assess if this variant is too frequent to cause the disease. Based on the score and internal cut-off values, a variant classified as benign is not then subjected to further curation. The score for this variant resulted in a classification of benign for this disease.